The following is an entry in ClinVar:

NM_153046.3(TDRD9):c.1432_1433del (p.Gln478fs)

Gene: TDRD9 (tudor domain containing 9; plus strand). Cytogenetic location: 14q32.33.
Variant type: Deletion.
Coding change: c.1432_1433del on transcript NM_153046.3 (MANE Select); coding-DNA positions 1432 to 1433, 2 bases deleted (CA; older notation c.1432_1433delCA).
Protein change: p.Gln478fs; shifts the reading frame from glutamine 478.
Molecular consequence: frameshift variant.
Genome position (GRCh38, 1-based): chr14:103,998,677-103,998,678, CA deleted. VCF-style (leftmost placement, unchanged base first): chr14-103998676-TCA-T. GRCh37 (hg19) VCF-style: chr14-104465013-TCA-T.
Other names: short protein forms Q478fs.
Identifiers: ClinVar variation 4850280 (VCV004850280.1).

ClinVar aggregate classification (germline): Likely pathogenic (1 of 4 stars; one submission).

Conditions:
Spermatogenic failure 30. Identifiers: MedGen C4748224, MONDO:0020851, OMIM 618110.

Submission:

First Genomix Gene Laboratory, Genetic Diagnostics Department
Classification: Likely pathogenic for Spermatogenic failure 30. Last evaluated: 2025-09-04. Review status: criteria provided, single submitter. Criteria: ACMG Guidelines, 2015. Collection method: clinical testing. Allele origin: germline. Inheritance: Autosomal recessive inheritance. Affected: no. Observed: 1 variant allele.